The following is an entry in ClinVar:

ClinVar aggregate classification (germline): Uncertain significance (1 of 4 stars; one submission).

Conditions:
Atrioventricular septal defect 4 (AVSD4). Identifiers: MedGen C3280781, MONDO:0013747, OMIM 614430.

Submission:

Labcorp Genetics (formerly Invitae), Labcorp
Classification: Uncertain significance for Atrioventricular septal defect 4. Last evaluated: 2017-07-12. Review status: criteria provided, single submitter. Criteria: Invitae Variant Classification Sherloc (09022015). Collection method: clinical testing. Allele origin: germline.
Comment: In summary, the available evidence is currently insufficient to determine the role of this variant in disease. Therefore, it has been classified as a Variant of Uncertain Significance. Algorithms developed to predict the effect of missense changes on protein structure and function do not agree on the potential impact of this missense change (SIFT: "Tolerated"; PolyPhen-2: "Possibly Damaging"; Align-GVGD: "Class C0"). This variant has not been reported in the literature in individuals with GATA4-related disease. This variant is not present in population databases (ExAC no frequency). This sequence change replaces arginine with lysine at codon 318 of the GATA4 protein (p.Arg318Lys). The arginine residue is highly conserved and there is a small physicochemical difference between arginine and lysine.

NM_001308093.3(GATA4):c.956G>A (p.Arg319Lys)

Gene: GATA4 (GATA binding protein 4). Cytogenetic location: 8p23.1.
Variant type: single nucleotide variant.
Coding change: c.956G>A on transcript NM_001308093.3 (MANE Select); coding-DNA position 956, G replaced by A.
Protein change: p.Arg319Lys; replaces arginine 319 with lysine.
Molecular consequence: missense variant.
Genome position (GRCh38, 1-based): chr8:11,755,089, G>A. VCF-style: chr8-11755089-G-A. GRCh37 (hg19) VCF-style: chr8-11612598-G-A.
Other names: c.335G>A, p.Arg112Lys (NM_001308094.2, NM_001374273.1); c.209G>A, p.Arg70Lys (NM_001374274.1); c.953G>A, p.Arg318Lys (NM_002052.5); short protein forms R318K, R319K, R112K, R70K.
Identifiers: ClinVar variation 472785 (VCV000472785.8), dbSNP rs1554498346, ClinGen allele CA370314453.